The following is an entry in ClinVar:

NM_001451.3(FOXF1):c.1047C>T (p.Asn349=)

Gene: FOXF1 (forkhead box F1; plus strand). Cytogenetic location: 16q24.1.
Variant type: single nucleotide variant.
Coding change: c.1047C>T on transcript NM_001451.3 (MANE Select); coding-DNA position 1047, C replaced by T.
Protein change: p.Asn349=; no amino-acid change (asparagine 349 retained).
Molecular consequence: synonymous variant.
Genome position (GRCh38, 1-based): chr16:86,512,992, C>T. VCF-style: chr16-86512992-C-T. GRCh37 (hg19) VCF-style: chr16-86546598-C-T.
Identifiers: ClinVar variation 666625 (VCV000666625.15), dbSNP rs116756021, ClinGen allele CA8217544.
Genomic context (GRCh38, chr16:86,512,992, plus strand): 5'-GCGGTATCACTCGCAGTCGCCCAGCATGTGTGACCGAAAGGAGTTTGTCTTCTCTTTCAA[C>T]GCCATGGCGTCCTCTTCCATGCACTCGGCCGGCGGGGGCTCCTACTACCACCAGCAGGTC-3'
Protein context (NP_001442.2, residues 339-359): CDRKEFVFSF[Asn349=]AMASSSMHSA

ClinVar aggregate classification (germline): Benign/Likely benign. Review status: criteria provided, multiple submitters, no conflicts (2 of 4 stars). 4 submissions from 4 submitters: Benign (3); Likely benign (1). Last evaluated 2026-01-16.

Allele frequency attached by ClinVar (database versions not stated): gnomAD exomes 0.00034 and 0.00094; gnomAD 0.00458 and 0.00430; TOPMed 0.00525; ExAC 0.00104; 1000 Genomes Project 0.00359; 1000 Genomes Project 30x 0.00375; ESP Exome Variant Server 0.00400.

Submissions (4):

Labcorp Genetics (formerly Invitae), Labcorp
Classification: Benign. Last evaluated: 2026-01-16. Review status: criteria provided, single submitter. Criteria: Invitae Variant Classification Sherloc (09022015). Collection method: clinical testing. Allele origin: germline.

Blueprint Genetics
Classification: Likely benign. Last evaluated: 2024-11-27. Review status: criteria provided, single submitter. Criteria: ACMG Guidelines, 2015. Collection method: clinical testing. Allele origin: germline.

Laboratory for Molecular Medicine, Mass General Brigham Personalized Medicine
Classification: Benign. Last evaluated: 2014-11-24. Review status: criteria provided, single submitter. Criteria: LMM Criteria. Collection method: clinical testing. Allele origin: germline. Observed: 1 variant allele.
Comment: Asn349Asn in exon 2 of FOXF1: This variant is not expected to have clinical sign ificance because it does not alter an amino acid residue and is not located with in the splice consensus sequence. It has been identified in 1.2% (52/4396) of Af rican American chromosomes from a broad population by the NHLBI Exome Sequencing Project (dbSNP rs116756021).

Breakthrough Genomics
Classification: Benign. Review status: criteria provided, single submitter. Criteria: ACMG Guidelines, 2015. Collection method: not provided. Allele origin: germline. Inheritance: Autosomal dominant inheritance. Affected: yes.